The following is an entry in ClinVar:

NM_004672.5(MAP3K6):c.3373_3375del (p.Lys1125del)

Gene: MAP3K6 (mitogen-activated protein kinase kinase kinase 6; minus strand). Cytogenetic location: 1p36.11.
Variant type: Deletion.
Coding change: c.3373_3375del on transcript NM_004672.5 (MANE Select); coding-DNA positions 3373 to 3375, 3 bases deleted (AAG; older notation c.3373_3375delAAG).
Protein change: p.Lys1125del; deletes lysine 1125.
Molecular consequence: inframe deletion.
Genome position (GRCh38, 1-based): chr1:27,356,739-27,356,741, CTT deleted on the plus strand (AAG on the coding strand, the reverse complement: MAP3K6 is on the minus strand); deleting any 3 consecutive bases within chr1:27,356,739-27,356,743 gives the same sequence; the c. name uses the placement nearest the transcript's 3' end. VCF-style (leftmost placement, unchanged base first): chr1-27356738-CCTT-C. GRCh37 (hg19) VCF-style: chr1-27683229-CCTT-C.
Other names: c.3349_3351del, p.Lys1117del (NM_001297609.2); c.3373_3375delAAG (NM_004672.4); short protein forms K1117del, K1125del.
Identifiers: ClinVar variation 2638557 (VCV002638557.25), dbSNP rs552271487, ClinGen allele CA713081.
Genomic context (GRCh38, chr1:27,356,738, plus strand): 5'-CTGGGCTCTGCTGGGAGTCCCCTTCATTACTCAGCTCCTCTGACCTCGGTGAGACCGCCT[CCTT>C]CTCCACCTCTGCAGCCCAGTGCGGTGAACTCAGGCAAGGCTACAACGCCCGTTTGGGAAC-3'

ClinVar aggregate classification (germline): Benign. Review status: criteria provided, single submitter (1 of 4 stars). 2 submissions from 2 submitters: Benign (1). 1 of the submissions does not count toward it. Last evaluated 2024-11-01.

Conditions:
MAP3K6-related disorder. Also called: MAP3K6-related condition.

Submissions (2):

CeGaT Center for Human Genetics Tuebingen
Classification: Benign. Last evaluated: 2024-11-01. Review status: criteria provided, single submitter. Criteria: CeGaT Center For Human Genetics Tuebingen Variant Classification Criteria Version 2. Collection method: clinical testing. Allele origin: germline. Affected: yes. Observed: 2 variant alleles.
Comment: MAP3K6: PM4:Supporting, BS1, BS2

PreventionGenetics, part of Exact Sciences
Classification: Benign for MAP3K6-related condition. Last evaluated: 2019-03-26. Review status: no assertion criteria provided. Collection method: clinical testing. Allele origin: germline. Not counted in ClinVar's aggregate classification.
Comment: This variant is classified as benign based on ACMG/AMP sequence variant interpretation guidelines (Richards et al. 2015 PMID: 25741868, with internal and published modifications).